The following is an entry in ClinVar:

ClinVar aggregate classification (germline): Pathogenic. Review status: criteria provided, multiple submitters, no conflicts (2 of 4 stars). 6 submissions from 6 submitters: Pathogenic (5). 1 of the submissions does not count toward it. Last evaluated 2026-02-01.

Conditions:
Myofibrillar myopathy 5. Also called: FILAMINOPATHY, AUTOSOMAL DOMINANT; Filaminopathy (type). Identifiers: Orphanet 171445, MedGen C1836050, MONDO:0012289, OMIM 609524.
Distal myopathy with posterior leg and anterior hand involvement. Also called: WILLIAMS DISTAL MYOPATHY. Identifiers: Orphanet 63273, MedGen C3279722, MONDO:0013550, OMIM 614065.
Hypertrophic cardiomyopathy 26. Also called: Cardiomyopathy, familial hypertrophic, 26. Identifiers: Orphanet 75249, MedGen C4310749, MONDO:0014883, OMIM 617047.

Submissions (6):

Labcorp Genetics (formerly Invitae), Labcorp
Classification: Pathogenic for Distal myopathy with posterior leg and anterior hand involvement; Myofibrillar myopathy 5; Hypertrophic cardiomyopathy 26. Last evaluated: 2026-02-01. Review status: criteria provided, single submitter. Criteria: Invitae Variant Classification Sherloc (09022015). Collection method: clinical testing. Allele origin: germline.
Comment: This sequence change creates a premature translational stop signal (p.Trp2710*) in the FLNC gene. While this is not anticipated to result in nonsense mediated decay, it is expected to disrupt the last 16 amino acid(s) of the FLNC protein. This variant is not present in population databases (gnomAD no frequency). This premature translational stop signal has been observed in individual(s) with filaminopathy (PMID: 15929027, 22961544). It has also been observed to segregate with disease in related individuals. ClinVar contains an entry for this variant (Variation ID: 18314). Algorithms developed to predict the effect of variants on gene product structure and function are not available or were not evaluated for this variant. Experimental studies have shown that this premature translational stop signal affects FLNC function (PMID: 22961544, 26472074, 26969713). Algorithms developed to predict the effect of sequence changes on RNA splicing suggest that this variant may create or strengthen a splice site. For these reasons, this variant has been classified as Pathogenic.

CeGaT Center for Human Genetics Tuebingen
Classification: Pathogenic. Last evaluated: 2025-07-01. Review status: criteria provided, single submitter. Criteria: CeGaT Center For Human Genetics Tuebingen Variant Classification Criteria Version 2. Collection method: clinical testing. Allele origin: germline. Affected: yes. Observed: 4 variant alleles.
Comment: FLNC: PP1:Strong, PS4, PVS1:Strong, PM2

Institute of Human Genetics, University of Leipzig Medical Center
Classification: Pathogenic for Myofibrillar myopathy 5. Last evaluated: 2023-01-06. Review status: criteria provided, single submitter. Criteria: ACMG Guidelines, 2015. Collection method: clinical testing. Allele origin: unknown. Affected: yes.
Comment: _x000D_ Criteria applied: PS3, PP1_STR, PVS1_MOD, PM2_SUP

Institute of Medical Genetics and Applied Genomics, University Hospital Tübingen
Classification: Pathogenic for Myofibrillar myopathy 5. Last evaluated: 2022-06-02. Review status: criteria provided, single submitter. Criteria: ACMG Guidelines, 2015. Collection method: clinical testing. Allele origin: germline. Inheritance: Autosomal dominant inheritance. Affected: yes.

Revvity Omics, Revvity
Classification: Pathogenic. Last evaluated: 2019-08-08. Review status: criteria provided, single submitter. Criteria: ACMG Guidelines, 2015. Collection method: clinical testing. Allele origin: germline.

OMIM
Classification: Pathogenic for MYOPATHY, MYOFIBRILLAR, 5. Last evaluated: 2007-06-01. Review status: no assertion criteria provided. Collection method: literature only. Allele origin: germline. Not counted in ClinVar's aggregate classification.

Literature cited by the submitters: PubMed 15929027 (cited by Labcorp Genetics (formerly Invitae), Labcorp and OMIM); PubMed 22961544 (cited by Labcorp Genetics (formerly Invitae), Labcorp); PubMed 26472074 (cited by Labcorp Genetics (formerly Invitae), Labcorp); PubMed 26969713 (cited by Labcorp Genetics (formerly Invitae), Labcorp); PubMed 17412757 (cited by OMIM).

NM_001458.5(FLNC):c.8130G>A (p.Trp2710Ter)

Genes: FLNC (filamin C; plus strand), FLNC-AS1 (FLNC antisense RNA 1; minus strand). Cytogenetic location: 7q32.1.
Variant type: single nucleotide variant.
Coding change: c.8130G>A on transcript NM_001458.5 (MANE Select); coding-DNA position 8130, G replaced by A.
Protein change: p.Trp2710Ter; replaces tryptophan 2710 with a stop codon.
Molecular consequence: nonsense.
Genome position (GRCh38, 1-based): chr7:128,858,475, G>A. VCF-style: chr7-128858475-G-A. GRCh37 (hg19) VCF-style: chr7-128498529-G-A.
Other names: c.8031G>A, p.Trp2677Ter (NM_001127487.2); short protein forms W2710*, W2677*.
Identifiers: ClinVar variation 18314 (VCV000018314.59), dbSNP rs121909518, ClinGen allele CA258151.